The following is an entry in ClinVar:

NM_000101.4(CYBA):c.283C>G (p.Leu95Val)

Gene: CYBA (cytochrome b-245 alpha chain; minus strand). Cytogenetic location: 16q24.2.
Variant type: single nucleotide variant.
Coding change: c.283C>G on transcript NM_000101.4 (MANE Select); coding-DNA position 283, C replaced by G.
Protein change: p.Leu95Val; replaces leucine 95 with valine.
Molecular consequence: missense variant.
Genome position (GRCh38, 1-based): chr16:88,646,759, G>C on the plus strand (C>G on the coding strand, the complement: CYBA is on the minus strand). VCF-style: chr16-88646759-G-C. GRCh37 (hg19) VCF-style: chr16-88713167-G-C.
Other names: short protein forms L95V.
Identifiers: ClinVar variation 2074127 (VCV002074127.1), dbSNP rs372739512, ClinGen allele CA8228331.
Genomic context (GRCh38, chr16:88,646,759, plus strand): 5'-GAGGGTCGGCTCCAAGCCCTCCTGAGCCCTAGAGGGGGTGCGGGACGGGGACTCACAGGA[G>C]ATGCAGGACGGCCCGAACATAGTAATTCCTGGTAAAGGGCCCGAACAGCTTCACCACGGC-3'
Protein context (NP_000092.2, residues 85-105): RNYYVRAVLH[Leu95Val]LLSVPAGFLL

ClinVar aggregate classification (germline): Uncertain significance (1 of 4 stars; one submission).

Conditions:
Granulomatous disease, chronic, autosomal recessive, cytochrome b-negative. Also called: GRANULOMATOUS DISEASE, CHRONIC, AUTOSOMAL RECESSIVE, 4; Chronic granulomatous disease, autosomal, due to deficiency of CYBA; CGD DUE TO DEFICIENCY OF THE ALPHA SUBUNIT OF CYTOCHROME b; CGD, AUTOSOMAL RECESSIVE CYTOCHROME b-NEGATIVE; CYBA DEFICIENCY. Identifiers: Orphanet 379, MedGen C1856255, MONDO:0009308, OMIM 233690.

Allele frequency attached by ClinVar (database versions not stated): ExAC 0.00001; gnomAD 0.00001; gnomAD exomes 0.00002; ESP Exome Variant Server 0.00008.

Submission:

Labcorp Genetics (formerly Invitae), Labcorp
Classification: Uncertain significance for Granulomatous disease, chronic, autosomal recessive, cytochrome b-negative. Last evaluated: 2021-09-01. Review status: criteria provided, single submitter. Criteria: Invitae Variant Classification Sherloc (09022015). Collection method: clinical testing. Allele origin: germline.
Comment: This sequence change replaces leucine with valine at codon 95 of the CYBA protein (p.Leu95Val). The leucine residue is moderately conserved and there is a small physicochemical difference between leucine and valine. This variant is present in population databases (rs372739512, ExAC 0.002%). This variant has not been reported in the literature in individuals affected with CYBA-related conditions. Algorithms developed to predict the effect of missense changes on protein structure and function are either unavailable or do not agree on the potential impact of this missense change (SIFT: "Tolerated"; PolyPhen-2: "Possibly Damaging"; Align-GVGD: "Class C0"). In summary, the available evidence is currently insufficient to determine the role of this variant in disease. Therefore, it has been classified as a Variant of Uncertain Significance.